The following is an entry in ClinVar:

ClinVar aggregate classification (germline): Benign/Likely benign. Review status: criteria provided, multiple submitters, no conflicts (2 of 4 stars). 3 submissions from 3 submitters: Benign (1); Likely benign (2). Last evaluated 2026-04-01.

Allele frequency attached by ClinVar (database versions not stated): ExAC 0.00004.
gnomAD v4.1: 29 of 1,614,002 alleles (0.0018%); highest among the groups gnomAD compares: Non-Finnish European, 0.002%; no homozygotes.

Submissions (3):

CeGaT Center for Human Genetics Tuebingen
Classification: Likely benign. Last evaluated: 2026-04-01. Review status: criteria provided, single submitter. Criteria: CeGaT Center For Human Genetics Tuebingen Variant Classification Criteria Version 2. Collection method: clinical testing. Allele origin: germline. Affected: yes. Observed: 2 variant alleles.
Comment: ZBTB20: BP4, BP7

Labcorp Genetics (formerly Invitae), Labcorp
Classification: Likely benign. Last evaluated: 2025-11-24. Review status: criteria provided, single submitter. Criteria: Invitae Variant Classification Sherloc (09022015). Collection method: clinical testing. Allele origin: germline.

Laboratory of Genetics, Children's Clinical University Hospital Latvia
Classification: Benign. Last evaluated: 2025-02-16. Review status: criteria provided, single submitter. Criteria: ACMG Guidelines, 2015. Collection method: clinical testing. Allele origin: germline. Affected: yes.

NM_001348800.3(ZBTB20):c.1491G>A (p.Thr497=)

Gene: ZBTB20 (zinc finger and BTB domain containing 20; minus strand). Cytogenetic location: 3q13.31.
Variant type: single nucleotide variant.
Coding change: c.1491G>A on transcript NM_001348800.3 (MANE Select); coding-DNA position 1491, G replaced by A.
Protein change: p.Thr497=; no amino-acid change (threonine 497 retained).
Molecular consequence: synonymous variant.
Genome position (GRCh38, 1-based): chr3:114,350,587, C>T on the plus strand (G>A on the coding strand, the complement: ZBTB20 is on the minus strand). VCF-style: chr3-114350587-C-T. GRCh37 (hg19) VCF-style: chr3-114069434-C-T.
Other names: c.1491G>A, p.Thr497= (NM_001164342.2, NM_001348803.3, NM_001393393.1 and 1 more transcripts); c.1272G>A, p.Thr424= (NM_001164343.2, NM_001164344.4, NM_001164345.4 and 9 more transcripts).
Identifiers: ClinVar variation 2189118 (VCV002189118.27), dbSNP rs374288251, ClinGen allele CA2551303.
Genomic context (GRCh38, chr3:114,350,587, plus strand): 5'-CGCGGGCTGGGTAGTGAAGAGGGCTGGCAGGTAGGTGTTGCCAGCTGTGCCAATGACCTG[C>T]GTGTTGCTGGTCAAGGTCAGAGGCATCCTCAGGTTGCTGGTGAGGGTTTCTGTCTGGCGT-3'
Protein context (NP_001335729.1, residues 487-507): LRMPLTLTSN[Thr497=]QVIGTAGNTY